The following is an entry in ClinVar:

ClinVar aggregate classification (germline): Uncertain significance (1 of 4 stars; one submission).

Conditions:
Primary ciliary dyskinesia. Also called: Ciliary dyskinesia. Identifiers: Orphanet 244, MedGen C0008780, MONDO:0016575, HP:0012265.

gnomAD v4.1: 11 of 1,614,026 alleles (0.00068%); highest among the groups gnomAD compares: Non-Finnish European, 0.00085%; no homozygotes.

Submission:

Ambry Genetics
Classification: Uncertain significance for Primary ciliary dyskinesia. Last evaluated: 2024-08-20. Review status: criteria provided, single submitter. Criteria: Ambry Variant Classification Scheme 2023. Collection method: clinical testing. Allele origin: germline.
Comment: The p.D336V variant (also known as c.1007A>T), located in coding exon 8 of the DNAH5 gene, results from an A to T substitution at nucleotide position 1007. The aspartic acid at codon 336 is replaced by valine, an amino acid with highly dissimilar properties. This amino acid position is well conserved in available vertebrate species. In addition, the in silico prediction for this alteration is inconclusive. Based on the available evidence, the clinical significance of this variant remains unclear.

NM_001369.3(DNAH5):c.1007A>T (p.Asp336Val)

Gene: DNAH5 (dynein axonemal heavy chain 5; minus strand). Cytogenetic location: 5p15.2.
Variant type: single nucleotide variant.
Coding change: c.1007A>T on transcript NM_001369.3 (MANE Select); coding-DNA position 1007, A replaced by T.
Protein change: p.Asp336Val; replaces aspartic acid 336 with valine.
Molecular consequence: missense variant.
Genome position (GRCh38, 1-based): chr5:13,917,225, T>A on the plus strand (A>T on the coding strand, the complement: DNAH5 is on the minus strand). VCF-style: chr5-13917225-T-A. GRCh37 (hg19) VCF-style: chr5-13917334-T-A.
Other names: short protein forms D336V.
Identifiers: ClinVar variation 3503499 (VCV003503499.1).